The following is an entry in ClinVar:

ClinVar aggregate classification (germline): Pathogenic (1 of 4 stars; one submission).

Conditions:
Dilated cardiomyopathy 1DD (CMD1DD). Identifiers: Orphanet 154, MedGen C2750995, MONDO:0013168, OMIM 613172.

Allele frequency attached by ClinVar (database versions not stated): TOPMed below 0.00001.

Submission:

Labcorp Genetics (formerly Invitae), Labcorp
Classification: Pathogenic for Dilated cardiomyopathy 1DD. Last evaluated: 2025-11-21. Review status: criteria provided, single submitter. Criteria: Invitae Variant Classification Sherloc (09022015). Collection method: clinical testing. Allele origin: germline.
Comment: This sequence change creates a premature translational stop signal (p.Lys1129Glufs*17) in the RBM20 gene. It is expected to result in an absent or disrupted protein product. Loss-of-function variants in RBM20 are known to be pathogenic (PMID: 20590677, 22004663, 38288598, 38510713, 40339755). This variant is not present in population databases (gnomAD no frequency). This variant has not been reported in the literature in individuals affected with RBM20-related conditions. ClinVar contains an entry for this variant (Variation ID: 2758114). Algorithms developed to predict the effect of sequence changes on RNA splicing suggest that this variant may disrupt the consensus splice site. For these reasons, this variant has been classified as Pathogenic.

Literature cited by the submitters: PubMed 20590677; PubMed 22004663; PubMed 38288598; PubMed 38510713; PubMed 40339755.

NM_001134363.3(RBM20):c.3383dup (p.Lys1129fs)

Gene: RBM20 (RNA binding motif protein 20; plus strand). Cytogenetic location: 10q25.2.
Variant type: Duplication.
Coding change: c.3383dup on transcript NM_001134363.3 (MANE Select); coding-DNA position 3383, one base duplicated (T; older notation c.3383dupT).
Protein change: p.Lys1129fs; shifts the reading frame from lysine 1129.
Molecular consequence: frameshift variant.
Genome position (GRCh38, 1-based): chr10:110,823,546, T duplicated. VCF-style (leftmost placement, unchanged base first): chr10-110823545-C-CT. GRCh37 (hg19) VCF-style: chr10-112583303-C-CT.
Other names: short protein forms K1129fs.
Identifiers: ClinVar variation 2758114 (VCV002758114.3), dbSNP rs1844944666, ClinGen allele CA2497307692.
Genomic context (GRCh38, chr10:110,823,545, plus strand): 5'-TCCAGGTACGTGGAAATGAAATCTCTGGAGGTGAGGTCACCAGAGTACACTGAAGTGGAA[C>CT]TGAAACAGCCCCTTTCTTTGCCCTCTTGGGAACCAGAGGATGTGTTCAGTGAACTTAGCA-3'